The following is an entry in ClinVar:

ClinVar aggregate classification (germline): Uncertain significance (1 of 4 stars; one submission).

Submission:

GeneDx
Classification: Uncertain significance. Last evaluated: 2025-08-08. Review status: criteria provided, single submitter. Criteria: GeneDx Variant Classification Process June 2021. Collection method: clinical testing. Allele origin: germline. Affected: yes.
Comment: Not observed at significant frequency in large population cohorts (gnomAD); In silico analysis suggests that this missense variant does not alter protein structure/function; Has not been previously published as pathogenic or benign to our knowledge

NM_001134407.3(GRIN2A):c.3406G>T (p.Val1136Phe)

Gene: GRIN2A (glutamate ionotropic receptor NMDA type subunit 2A; minus strand). Cytogenetic location: 16p13.2.
Variant type: single nucleotide variant.
Coding change: c.3406G>T on transcript NM_001134407.3 (MANE Select); coding-DNA position 3406, G replaced by T.
Protein change: p.Val1136Phe; replaces valine 1136 with phenylalanine.
Molecular consequence: missense variant.
Genome position (GRCh38, 1-based): chr16:9,764,138, C>A on the plus strand (G>T on the coding strand, the complement: GRIN2A is on the minus strand). VCF-style: chr16-9764138-C-A. GRCh37 (hg19) VCF-style: chr16-9857995-C-A.
Other names: c.3406G>T, p.Val1136Phe (NM_000833.5, NM_001134408.2); short protein forms V1136F.
Identifiers: ClinVar variation 4755667 (VCV004755667.1).